The following is an entry in ClinVar:

NM_198578.4(LRRK2):c.268G>C (p.Glu90Gln)

Gene: LRRK2 (leucine rich repeat kinase 2; plus strand). Cytogenetic location: 12q12.
Variant type: single nucleotide variant.
Coding change: c.268G>C on transcript NM_198578.4 (MANE Select); coding-DNA position 268, G replaced by C.
Protein change: p.Glu90Gln; replaces glutamic acid 90 with glutamine.
Molecular consequence: missense variant.
Genome position (GRCh38, 1-based): chr12:40,232,304, G>C. VCF-style: chr12-40232304-G-C. GRCh37 (hg19) VCF-style: chr12-40626106-G-C.
Other names: short protein forms E90Q.
Identifiers: ClinVar variation 3229568 (VCV003229568.1), dbSNP rs2499381273, ClinGen allele CA384401391.

ClinVar aggregate classification (germline): Uncertain significance (1 of 4 stars; one submission).

Conditions:
Inborn genetic diseases. Identifiers: MedGen C0950123, MeSH D030342.

Submission:

Ambry Genetics
Classification: Uncertain significance for Inborn genetic diseases. Last evaluated: 2023-12-15. Review status: criteria provided, single submitter. Criteria: Ambry Variant Classification Scheme 2023. Collection method: clinical testing. Allele origin: germline.
Comment: The p.E90Q variant (also known as c.268G>C), located in coding exon 3 of the LRRK2 gene, results from a G to C substitution at nucleotide position 268. The glutamic acid at codon 90 is replaced by glutamine, an amino acid with highly similar properties. This amino acid position is conserved. In addition, the in silico prediction for this alteration is inconclusive. Since supporting evidence is limited at this time, the clinical significance of this alteration remains unclear.